The following is an entry in ClinVar:

ClinVar aggregate classification (germline): Uncertain significance (1 of 4 stars; one submission).

Conditions:
Shprintzen-Goldberg syndrome (SGS). Also called: SHPRINTZEN-GOLDBERG CRANIOSYNOSTOSIS SYNDROME; CRANIOSYNOSTOSIS WITH ARACHNODACTYLY AND ABDOMINAL HERNIAS; Marfanoid disorder with craniosynostosis type 1; Marfanoid craniosynostosis syndrome; Shprintzen-Goldberg marfanoid syndrome. Identifiers: Orphanet 2462, MedGen C1321551, MONDO:0008426, OMIM 182212.

Allele frequency attached by ClinVar (database versions not stated): TOPMed below 0.00001.
gnomAD v4.1: 1 of 1,611,378 alleles (0.000062%); highest among the groups gnomAD compares: Non-Finnish European, 0.000085%; no homozygotes.

Submission:

Labcorp Genetics (formerly Invitae), Labcorp
Classification: Uncertain significance for Shprintzen-Goldberg syndrome. Last evaluated: 2024-04-09. Review status: criteria provided, single submitter. Criteria: Invitae Variant Classification Sherloc (09022015). Collection method: clinical testing. Allele origin: germline.
Comment: This sequence change replaces proline, which is neutral and non-polar, with serine, which is neutral and polar, at codon 255 of the SKI protein (p.Pro255Ser). This variant is not present in population databases (gnomAD no frequency). This variant has not been reported in the literature in individuals affected with SKI-related conditions. Advanced modeling of protein sequence and biophysical properties (such as structural, functional, and spatial information, amino acid conservation, physicochemical variation, residue mobility, and thermodynamic stability) has been performed at Invitae for this missense variant, however the output from this modeling did not meet the statistical confidence thresholds required to predict the impact of this variant on SKI protein function. In summary, the available evidence is currently insufficient to determine the role of this variant in disease. Therefore, it has been classified as a Variant of Uncertain Significance.

NM_003036.4(SKI):c.763C>T (p.Pro255Ser)

Gene: SKI (SKI proto-oncogene; plus strand). Cytogenetic location: 1p36.33.
Variant type: single nucleotide variant.
Coding change: c.763C>T on transcript NM_003036.4 (MANE Select); coding-DNA position 763, C replaced by T.
Protein change: p.Pro255Ser; replaces proline 255 with serine.
Molecular consequence: missense variant.
Genome position (GRCh38, 1-based): chr1:2,229,529, C>T. VCF-style: chr1-2229529-C-T. GRCh37 (hg19) VCF-style: chr1-2160968-C-T.
Other names: short protein forms P255S.
Identifiers: ClinVar variation 2982161 (VCV002982161.3), dbSNP rs1455466124, ClinGen allele CA337955178.